The following is an entry in ClinVar:

NM_002691.4(POLD1):c.1509G>C (p.Gln503His)

Gene: POLD1 (DNA polymerase delta 1, catalytic subunit; plus strand). Cytogenetic location: 19q13.33.
Variant type: single nucleotide variant.
Coding change: c.1509G>C on transcript NM_002691.4 (MANE Select); coding-DNA position 1509, G replaced by C.
Protein change: p.Gln503His; replaces glutamine 503 with histidine.
Molecular consequence: missense variant. On other transcripts: non-coding transcript variant (1).
Genome position (GRCh38, 1-based): chr19:50,406,997, G>C. VCF-style: chr19-50406997-G-C. GRCh37 (hg19) VCF-style: chr19-50910254-G-C.
Other names: c.1509G>C, p.Gln503His (NM_001256849.1, NM_001308632.1); c.1509G>C (NM_002691.2); short protein forms Q503H.
Identifiers: ClinVar variation 1714339 (VCV001714339.6), dbSNP rs2513999380, ClinGen allele CA406980773.

ClinVar aggregate classification (germline): Uncertain significance. Review status: criteria provided, multiple submitters, no conflicts (2 of 4 stars). 2 submissions from 2 submitters: Uncertain significance (2). Last evaluated 2025-11-25.

Conditions:
Hereditary cancer-predisposing syndrome. Also called: Neoplastic Syndromes, Hereditary; Tumor predisposition; Hereditary neoplastic syndrome; Hereditary Cancer Syndrome. Identifiers: Orphanet 140162, MedGen C0027672, MeSH D009386, MONDO:0015356.
POLD1-related polyposis and colorectal cancer syndrome (CRCS10). Also called: COLORECTAL CANCER, SUSCEPTIBILITY TO, ON CHROMOSOME 19q; Colorectal cancer 10; Colorectal cancer, susceptibility to, 10. Identifiers: Orphanet 220460, MedGen C2675481, MONDO:0012953, OMIM 612591.

Submissions (2):

Ambry Genetics
Classification: Uncertain significance for Hereditary cancer-predisposing syndrome. Last evaluated: 2025-11-25. Review status: criteria provided, single submitter. Criteria: Ambry Variant Classification Scheme 2023. Collection method: clinical testing. Allele origin: germline.
Comment: The p.Q503H variant (also known as c.1509G>C), located in coding exon 12 of the POLD1 gene, results from a G to C substitution at nucleotide position 1509. The glutamine at codon 503 is replaced by histidine, an amino acid with highly similar properties. This amino acid position is conserved. In addition, this alteration is predicted to be tolerated by in silico analysis. Based on the available evidence, the clinical significance of this variant remains unclear.

Labcorp Genetics (formerly Invitae), Labcorp
Classification: Uncertain significance for POLD1-related polyposis and colorectal cancer syndrome. Last evaluated: 2024-09-06. Review status: criteria provided, single submitter. Criteria: Invitae Variant Classification Sherloc (09022015). Collection method: clinical testing. Allele origin: germline.
Comment: This sequence change replaces glutamine, which is neutral and polar, with histidine, which is basic and polar, at codon 503 of the POLD1 protein (p.Gln503His). This variant is not present in population databases (gnomAD no frequency). This variant has not been reported in the literature in individuals affected with POLD1-related conditions. ClinVar contains an entry for this variant (Variation ID: 1714339). Invitae Evidence Modeling of protein sequence and biophysical properties (such as structural, functional, and spatial information, amino acid conservation, physicochemical variation, residue mobility, and thermodynamic stability) indicates that this missense variant is not expected to disrupt POLD1 protein function with a negative predictive value of 80%. In summary, the available evidence is currently insufficient to determine the role of this variant in disease. Therefore, it has been classified as a Variant of Uncertain Significance.